The following is an entry in ClinVar:

NM_000512.5(GALNS):c.884C>T (p.Ser295Phe)

Gene: GALNS (galactosamine (N-acetyl)-6-sulfatase; minus strand). Cytogenetic location: 16q24.3.
Variant type: single nucleotide variant.
Coding change: c.884C>T on transcript NM_000512.5 (MANE Select); coding-DNA position 884, C replaced by T.
Protein change: p.Ser295Phe; replaces serine 295 with phenylalanine.
Molecular consequence: missense variant.
Genome position (GRCh38, 1-based): chr16:88,835,227, G>A on the plus strand (C>T on the coding strand, the complement: GALNS is on the minus strand). VCF-style: chr16-88835227-G-A. GRCh37 (hg19) VCF-style: chr16-88901635-G-A.
Other names: c.329C>T, p.Ser110Phe (NM_001323543.2); c.902C>T, p.Ser301Phe (NM_001323544.2); short protein forms S295F, S110F, S301F.
Identifiers: ClinVar variation 520617 (VCV000520617.22), dbSNP rs149239881, ClinGen allele CA8234948.
Genomic context (GRCh38, chr16:88,835,227, plus strand): 5'-CACGCTGGCTGTGGGGAAACCGTGAGAAGTGACAGCGAGCACTCACCTTGTTCGGGGGCG[G>A]AAATGAGGGCAGCGCCGTTGTCCGACGTGAAGAAGACGAAGGTGTTGTCCGCGACGTGCA-3'
Protein context (NP_000503.1, residues 285-305): FTSDNGAALI[Ser295Phe]APEQGGSNGP

ClinVar aggregate classification (germline): Pathogenic/Likely pathogenic. Review status: criteria provided, multiple submitters, no conflicts (2 of 4 stars). 6 submissions from 6 submitters: Pathogenic (2); Likely pathogenic (4). Last evaluated 2025-03-18.

Conditions:
Mucopolysaccharidosis, MPS-IV-A (MPS4A). Also called: Morquio syndrome A, mild; Mucopolysaccharidosis Type IVA; Mucopolysaccharidosis type IV A; MPS IVA; MORQUIO SYNDROME A; GALACTOSAMINE-6-SULFATASE DEFICIENCY. Identifiers: Orphanet 309297, Orphanet 582, MedGen C0086651, MONDO:0009659, OMIM 253000.
Inborn genetic diseases. Identifiers: MedGen C0950123, MeSH D030342.

Allele frequency attached by ClinVar (database versions not stated): gnomAD exomes 0.00001 and 0.00004; ExAC 0.00002; gnomAD 0.00003; TOPMed 0.00004; ESP Exome Variant Server 0.00008.
gnomAD v4.1: 23 of 1,592,366 alleles (0.0014%); highest among the groups gnomAD compares: Non-Finnish European, 0.0019%; no homozygotes.

Submissions (6):

Labcorp Genetics (formerly Invitae), Labcorp
Classification: Pathogenic for Mucopolysaccharidosis, MPS-IV-A. Last evaluated: 2025-03-18. Review status: criteria provided, single submitter. Criteria: Invitae Variant Classification Sherloc (09022015). Collection method: clinical testing. Allele origin: germline.
Comment: This sequence change replaces serine, which is neutral and polar, with phenylalanine, which is neutral and non-polar, at codon 295 of the GALNS protein (p.Ser295Phe). This variant is present in population databases (rs149239881, gnomAD 0.007%). This missense change has been observed in individuals with mucopolysaccharidosis type IVA (PMID: 9298823, 15235041, 27331011; internal data). ClinVar contains an entry for this variant (Variation ID: 520617). Invitae Evidence Modeling of protein sequence and biophysical properties (such as structural, functional, and spatial information, amino acid conservation, physicochemical variation, residue mobility, and thermodynamic stability) indicates that this missense variant is expected to disrupt GALNS protein function with a positive predictive value of 95%. For these reasons, this variant has been classified as Pathogenic.

Variantyx, Inc.
Classification: Likely pathogenic for Mucopolysaccharidosis, MPS-IV-A. Last evaluated: 2025-03-02. Review status: criteria provided, single submitter. Criteria: Variantyx Assertion Criteria 2022. Collection method: clinical testing. Allele origin: germline. Inheritance: Autosomal recessive inheritance. Affected: yes.
Comment: This is a nonsynonymous variant in the GALNS gene (OMIM: 612222). Pathogenic variants in this gene have been associated with autosomal recessive mucopolysaccharidosis type IVA. This variant has been identified in the compound heterozygous state in at least 4 individuals reported in the published literature (PMID: 9298823, 27331011, 15235041, 16287098) (PM3_Strong). Multiple computational algorithms predict a deleterious effect for this variant (REVEL score: 0.744) (PP3). This variant has a 0.0019% maximum allele frequency in non-founder control populations (PM2). Based on the current evidence, this variant is classified as likely pathogenic for autosomal recessive mucopolysaccharidosis type IVA.

Fulgent Genetics
Classification: Likely pathogenic for Mucopolysaccharidosis, MPS-IV-A. Last evaluated: 2024-05-28. Review status: criteria provided, single submitter. Criteria: ACMG Guidelines, 2015. Collection method: clinical testing. Allele origin: germline.

Genome-Nilou Lab
Classification: Likely pathogenic for Mucopolysaccharidosis, MPS-IV-A. Last evaluated: 2021-11-07. Review status: criteria provided, single submitter. Criteria: ACMG Guidelines, 2015. Collection method: clinical testing. Allele origin: germline. Affected: no.

Laboratory of Diagnosis and Therapy of Lysosomal Disorders, University of Padova
Classification: Likely pathogenic for Mucopolysaccharidosis, MPS-IV-A. Last evaluated: 2021-02-01. Review status: criteria provided, single submitter. Criteria: ACMG Guidelines, 2015. Collection method: research. Allele origin: germline. Affected: yes.
Comment: The prevalence of the variant in affected individuals is significantly increased compared with the prevalence in controls (PS4_strong); very low frequency in gnomAD v2.1.1 (PM2_moderate)

Ambry Genetics
Classification: Pathogenic for Inborn genetic diseases. Last evaluated: 2015-01-12. Review status: criteria provided, single submitter. Criteria: Ambry exome assertion method (8-5-2015). Collection method: clinical testing. Allele origin: germline. Affected: yes. Observed: 1 variant allele.

Literature cited by the submitters: PubMed 9298823 (cited by 3 submitters); PubMed 15235041 (cited by 3 submitters); PubMed 27331011 (cited by 3 submitters); PubMed 16287098 (cited by Variantyx, Inc. and Laboratory of Diagnosis and Therapy of Lysosomal Disorders, University of Padova); PubMed 34387910 (cited by Laboratory of Diagnosis and Therapy of Lysosomal Disorders, University of Padova).